The following is an entry in ClinVar:

ClinVar aggregate classification (germline): Pathogenic (0 of 4 stars; one submission).

Conditions:
Rubinstein-Taybi syndrome due to EP300 haploinsufficiency. Also called: EP300-Related Rubinstein-Taybi Syndrome; RUBINSTEIN-TAYBI SYNDROME 2. Identifiers: Orphanet 353284, Orphanet 783, MedGen C3150941, MONDO:0013364, OMIM 613684.

Submission:

Centre de Biologie Pathologie Génétique, Centre Hospitalier Universitaire de Lille
Classification: Pathogenic for Rubinstein-Taybi syndrome due to EP300 haploinsufficiency. Last evaluated: 2016-01-10. Review status: no assertion criteria provided. Collection method: clinical testing. Allele origin: de novo. Inheritance: Autosomal dominant inheritance. Affected: yes. Observed: 1 variant allele, 1 heterozygote.
Comment: Rubinstein-Taybi phenotype

NM_001429.4(EP300):c.2164dup (p.Gln722fs)

Gene: EP300 (EP300 lysine acetyltransferase; plus strand). Cytogenetic location: 22q13.2.
Variant type: Duplication.
Coding change: c.2164dup on transcript NM_001429.4 (MANE Select); coding-DNA position 2164, one base duplicated (C; older notation c.2164dupC).
Protein change: p.Gln722fs; shifts the reading frame from glutamine 722.
Molecular consequence: frameshift variant.
Genome position (GRCh38, 1-based): chr22:41,147,869, C duplicated; the last of 3 consecutive C bases (chr22:41,147,867-41,147,869); duplicating any one gives the same sequence. VCF-style (leftmost placement, unchanged base first): chr22-41147866-G-GC. GRCh37 (hg19) VCF-style: chr22-41543870-G-GC.
Other names: c.2086dup, p.Gln696fs (NM_001362843.2); short protein forms Q722fs, Q696fs.
Identifiers: ClinVar variation 246604 (VCV000246604.2), dbSNP rs879253873, ClinGen allele CA10584654.